The following is an entry in ClinVar:

ClinVar aggregate classification (germline): Uncertain significance (1 of 4 stars; one submission).

Conditions:
Fanconi anemia (FA). Also called: Fanconi's anemia. Identifiers: Orphanet 84, MedGen C0015625, MeSH D005199, MONDO:0019391.

Allele frequency attached by ClinVar (database versions not stated): gnomAD exomes below 0.00001; TOPMed below 0.00001; gnomAD 0.00001.
gnomAD v4.1: 2 of 1,613,742 alleles (0.00012%); highest among the groups gnomAD compares: Admixed American, 0.0033%; no homozygotes.

Submission:

Labcorp Genetics (formerly Invitae), Labcorp
Classification: Uncertain significance for Fanconi anemia. Last evaluated: 2022-03-01. Review status: criteria provided, single submitter. Criteria: Invitae Variant Classification Sherloc (09022015). Collection method: clinical testing. Allele origin: germline.
Comment: In summary, the available evidence is currently insufficient to determine the role of this variant in disease. Therefore, it has been classified as a Variant of Uncertain Significance. Algorithms developed to predict the effect of missense changes on protein structure and function output the following: SIFT: "Tolerated"; PolyPhen-2: "Benign"; Align-GVGD: "Class C0". The serine amino acid residue is found in multiple mammalian species, which suggests that this missense change does not adversely affect protein function. This variant has not been reported in the literature in individuals affected with FANCI-related conditions. This variant is present in population databases (no rsID available, gnomAD 0.003%). This sequence change replaces threonine, which is neutral and polar, with serine, which is neutral and polar, at codon 23 of the FANCI protein (p.Thr23Ser).

NM_001113378.2(FANCI):c.68C>G (p.Thr23Ser)

Gene: FANCI (FA complementation group I; plus strand). Cytogenetic location: 15q26.1.
Variant type: single nucleotide variant.
Coding change: c.68C>G on transcript NM_001113378.2 (MANE Select); coding-DNA position 68, C replaced by G.
Protein change: p.Thr23Ser; replaces threonine 23 with serine.
Molecular consequence: missense variant. On other transcripts: 5 prime UTR variant (1).
Genome position (GRCh38, 1-based): chr15:89,247,715, C>G. VCF-style: chr15-89247715-C-G. GRCh37 (hg19) VCF-style: chr15-89790946-C-G.
Other names: c.-207C>G (NM_001376910.1); c.68C>G, p.Thr23Ser (NM_001376911.1, NM_018193.3); short protein forms T23S.
Identifiers: ClinVar variation 2160216 (VCV002160216.4), dbSNP rs1441106185, ClinGen allele CA393736410.